The following is an entry in ClinVar:

NM_002691.4(POLD1):c.2176C>A (p.Gln726Lys)

Gene: POLD1 (DNA polymerase delta 1, catalytic subunit; plus strand). Cytogenetic location: 19q13.33.
Variant type: single nucleotide variant.
Coding change: c.2176C>A on transcript NM_002691.4 (MANE Select); coding-DNA position 2176, C replaced by A.
Protein change: p.Gln726Lys; replaces glutamine 726 with lysine.
Molecular consequence: missense variant. On other transcripts: non-coding transcript variant (1).
Genome position (GRCh38, 1-based): chr19:50,413,447, C>A. VCF-style: chr19-50413447-C-A. GRCh37 (hg19) VCF-style: chr19-50916704-C-A.
Other names: c.2176C>A, p.Gln726Lys (NM_001256849.1); c.2254C>A, p.Gln752Lys (NM_001308632.1); short protein forms Q726K, Q752K.
Identifiers: ClinVar variation 2105834 (VCV002105834.4), dbSNP rs2039157727, ClinGen allele CA406983511.
Genomic context (GRCh38, chr19:50,413,447, plus strand): 5'-CCCCCAGGGCTTCACTCCGCATGATTCTCTCCCCGACAGAGCGTCACGGGGTTCGGACGT[C>A]AGATGATCGAGAAAACCAAGCAGCTGGTGGAGTCTAAGTACACAGTGGAGAATGGCTACA-3'
Protein context (NP_002682.2, residues 716-736): ISQSVTGFGR[Gln726Lys]MIEKTKQLVE

ClinVar aggregate classification (germline): Uncertain significance (1 of 4 stars; one submission).

Conditions:
POLD1-related polyposis and colorectal cancer syndrome (CRCS10). Also called: Colorectal cancer 10; COLORECTAL CANCER, SUSCEPTIBILITY TO, ON CHROMOSOME 19q; Colorectal cancer, susceptibility to, 10. Identifiers: Orphanet 220460, MedGen C2675481, MONDO:0012953, OMIM 612591.

Submission:

Labcorp Genetics (formerly Invitae), Labcorp
Classification: Uncertain significance for POLD1-related polyposis and colorectal cancer syndrome. Last evaluated: 2022-03-02. Review status: criteria provided, single submitter. Criteria: Invitae Variant Classification Sherloc (09022015). Collection method: clinical testing. Allele origin: germline.
Comment: In summary, the available evidence is currently insufficient to determine the role of this variant in disease. Therefore, it has been classified as a Variant of Uncertain Significance. Algorithms developed to predict the effect of missense changes on protein structure and function are either unavailable or do not agree on the potential impact of this missense change (SIFT: "Tolerated"; PolyPhen-2: "Possibly Damaging"; Align-GVGD: "Class C0"). This variant has not been reported in the literature in individuals affected with POLD1-related conditions. This variant is not present in population databases (gnomAD no frequency). This sequence change replaces glutamine, which is neutral and polar, with lysine, which is basic and polar, at codon 726 of the POLD1 protein (p.Gln726Lys).